The following is an entry in ClinVar:

ClinVar aggregate classification (germline): Uncertain significance. Review status: criteria provided, multiple submitters, no conflicts (2 of 4 stars). 3 submissions from 3 submitters: Uncertain significance (3). Last evaluated 2026-03-30.

Conditions:
Nephronophthisis. Also called: Juvenile Nephronophthisis. Identifiers: Orphanet 655, MedGen C0687120, MONDO:0019005, HP:0000090.
Jeune thoracic dystrophy. Also called: Short-rib thoracic dysplasia; Jeune syndrome; Infantile thoracic dystrophy; Thoracic pelvic phalangeal dystrophy; Jeune's syndrome; Chondroectodermal dysplasia-like syndrome. Identifiers: Orphanet 474, MedGen C0265275, MONDO:0018770.
TTC21B-related disorder. Also called: TTC21B-related condition; TTC21B-related disorders.
Nephronophthisis 12 (NPHP12). Identifiers: Orphanet 655, MedGen C3151186, MONDO:0013442, OMIM 613820.
Asphyxiating thoracic dystrophy 4 (SRTD4). Also called: SHORT-RIB THORACIC DYSPLASIA 4 WITH OR WITHOUT POLYDACTYLY; SHORT-RIB THORACIC DYSPLASIA 4. Identifiers: Orphanet 474, MedGen C3151185, MONDO:0013441, OMIM 613819.

Allele frequency attached by ClinVar (database versions not stated): TOPMed below 0.00001; gnomAD exomes 0.00001.
gnomAD v4.1: 3 of 1,614,136 alleles (0.00019%); highest among the groups gnomAD compares: Admixed American, 0.005%; no homozygotes.

Submissions (3):

PreventionGenetics, part of Exact Sciences
Classification: Uncertain significance for TTC21B-related condition. Last evaluated: 2026-03-30. Review status: criteria provided, single submitter. Criteria: ACMG Guidelines, 2015. Collection method: clinical testing. Allele origin: germline.
Comment: The TTC21B c.2698T>A variant is predicted to result in the amino acid substitution p.Tyr900Asn. To our knowledge, this variant has not been reported in the literature. This variant is reported in 0.0058% of alleles in individuals of Latino descent in gnomAD. At this time, the clinical significance of this variant is uncertain due to the absence of conclusive functional and genetic evidence.

Labcorp Genetics (formerly Invitae), Labcorp
Classification: Uncertain significance for Jeune thoracic dystrophy; Nephronophthisis. Last evaluated: 2022-10-13. Review status: criteria provided, single submitter. Criteria: Invitae Variant Classification Sherloc (09022015). Collection method: clinical testing. Allele origin: germline.
Comment: This sequence change replaces tyrosine, which is neutral and polar, with asparagine, which is neutral and polar, at codon 900 of the TTC21B protein (p.Tyr900Asn). This variant is present in population databases (no rsID available, gnomAD 0.006%). This variant has not been reported in the literature in individuals affected with TTC21B-related conditions. ClinVar contains an entry for this variant (Variation ID: 1496428). Advanced modeling of protein sequence and biophysical properties (such as structural, functional, and spatial information, amino acid conservation, physicochemical variation, residue mobility, and thermodynamic stability) performed at Invitae indicates that this missense variant is not expected to disrupt TTC21B protein function. In summary, the available evidence is currently insufficient to determine the role of this variant in disease. Therefore, it has been classified as a Variant of Uncertain Significance.

Fulgent Genetics
Classification: Uncertain significance for Asphyxiating thoracic dystrophy 4; Nephronophthisis 12. Last evaluated: 2022-05-05. Review status: criteria provided, single submitter. Criteria: ACMG Guidelines, 2015. Collection method: clinical testing. Allele origin: unknown.

NM_024753.5(TTC21B):c.2698T>A (p.Tyr900Asn)

Gene: TTC21B (tetratricopeptide repeat domain 21B; minus strand). Cytogenetic location: 2q24.3.
Variant type: single nucleotide variant.
Coding change: c.2698T>A on transcript NM_024753.5 (MANE Select); coding-DNA position 2698, T replaced by A.
Protein change: p.Tyr900Asn; replaces tyrosine 900 with asparagine.
Molecular consequence: missense variant.
Genome position (GRCh38, 1-based): chr2:165,901,781, A>T on the plus strand (T>A on the coding strand, the complement: TTC21B is on the minus strand). VCF-style: chr2-165901781-A-T. GRCh37 (hg19) VCF-style: chr2-166758291-A-T.
Other names: c.2698T>A (NM_024753.4); short protein forms Y900N.
Identifiers: ClinVar variation 1496428 (VCV001496428.10), dbSNP rs1336338964, ClinGen allele CA349052422.